The following is an entry in ClinVar:

NM_006073.4(TRDN):c.1897G>A (p.Glu633Lys)

Gene: TRDN (triadin; minus strand). Cytogenetic location: 6q22.31.
Variant type: single nucleotide variant.
Coding change: c.1897G>A on transcript NM_006073.4 (MANE Select); coding-DNA position 1897, G replaced by A.
Protein change: p.Glu633Lys; replaces glutamic acid 633 with lysine.
Molecular consequence: missense variant.
Genome position (GRCh38, 1-based): chr6:123,255,876, C>T on the plus strand (G>A on the coding strand, the complement: TRDN is on the minus strand). VCF-style: chr6-123255876-C-T. GRCh37 (hg19) VCF-style: chr6-123577021-C-T.
Other names: short protein forms E633K.
Identifiers: ClinVar variation 961070 (VCV000961070.11), dbSNP rs1776538236, ClinGen allele CA365562290.

ClinVar aggregate classification (germline): Uncertain significance (1 of 4 stars; one submission).

Conditions:
Catecholaminergic polymorphic ventricular tachycardia 1. Also called: VENTRICULAR TACHYCARDIA, CATECHOLAMINERGIC POLYMORPHIC, 1, WITH OR WITHOUT ATRIAL DYSFUNCTION AND/OR DILATED CARDIOMYOPATHY; VENTRICULAR TACHYCARDIA, STRESS-INDUCED POLYMORPHIC 1; RYR2-Related Catecholaminergic Polymorphic Ventricular Tachycardia. Identifiers: Orphanet 3286, MedGen C1631597, MONDO:0011484, OMIM 604772.

Submission:

Labcorp Genetics (formerly Invitae), Labcorp
Classification: Uncertain significance for Catecholaminergic polymorphic ventricular tachycardia 1. Last evaluated: 2019-08-17. Review status: criteria provided, single submitter. Criteria: Invitae Variant Classification Sherloc (09022015). Collection method: clinical testing. Allele origin: germline.
Comment: In summary, the available evidence is currently insufficient to determine the role of this variant in disease. Therefore, it has been classified as a Variant of Uncertain Significance. Algorithms developed to predict the effect of missense changes on protein structure and function output the following: SIFT: "Tolerated"; PolyPhen-2: "Benign"; Align-GVGD: "Class C0". The lysine amino acid residue is found in multiple mammalian species, suggesting that this missense change does not adversely affect protein function. These predictions have not been confirmed by published functional studies and their clinical significance is uncertain. This variant has not been reported in the literature in individuals with TRDN-related conditions. This variant is not present in population databases (ExAC no frequency). This sequence change replaces glutamic acid with lysine at codon 633 of the TRDN protein (p.Glu633Lys). The glutamic acid residue is moderately conserved and there is a small physicochemical difference between glutamic acid and lysine.